The following is an entry in ClinVar:

ClinVar aggregate classification (germline): Conflicting classifications of pathogenicity. Review status: criteria provided, conflicting classifications (1 of 4 stars). 3 submissions from 3 submitters: Uncertain significance (1); Likely benign (2). Last evaluated 2026-01-01.

Allele frequency attached by ClinVar (database versions not stated): gnomAD 0.00005; ExAC 0.00008; ESP Exome Variant Server 0.00008.
gnomAD v4.1: 95 of 1,613,776 alleles (0.0059%); highest among the groups gnomAD compares: Non-Finnish European, 0.0078%; no homozygotes.

Submissions (3):

CeGaT Center for Human Genetics Tuebingen
Classification: Likely benign. Last evaluated: 2026-01-01. Review status: criteria provided, single submitter. Criteria: CeGaT Center For Human Genetics Tuebingen Variant Classification Criteria Version 2. Collection method: clinical testing. Allele origin: germline. Affected: yes. Observed: 6 variant alleles.
Comment: CHD1: BS2

Laboratory of Genetics, Children's Clinical University Hospital Latvia
Classification: Likely benign. Last evaluated: 2025-02-16. Review status: criteria provided, single submitter. Criteria: ACMG Guidelines, 2015. Collection method: clinical testing. Allele origin: germline. Affected: yes.

Ambry Genetics
Classification: Uncertain significance. Last evaluated: 2023-12-27. Review status: criteria provided, single submitter. Criteria: Ambry Variant Classification Scheme 2023. Collection method: clinical testing. Allele origin: germline.

NM_001270.4(CHD1):c.673T>C (p.Tyr225His)

Gene: CHD1 (chromodomain helicase DNA binding protein 1; minus strand). Cytogenetic location: 5q21.1.
Variant type: single nucleotide variant.
Coding change: c.673T>C on transcript NM_001270.4 (MANE Select); coding-DNA position 673, T replaced by C.
Protein change: p.Tyr225His; replaces tyrosine 225 with histidine.
Molecular consequence: missense variant. On other transcripts: non-coding transcript variant (2).
Genome position (GRCh38, 1-based): chr5:98,900,997, A>G on the plus strand (T>C on the coding strand, the complement: CHD1 is on the minus strand). VCF-style: chr5-98900997-A-G. GRCh37 (hg19) VCF-style: chr5-98236701-A-G.
Other names: c.673T>C (NM_001270.2); c.673T>C, p.Tyr225His (NM_001364113.3, NM_001376194.2); short protein forms Y225H.
Identifiers: ClinVar variation 2655618 (VCV002655618.26), dbSNP rs372549408, ClinGen allele CA3356503.